The following is an entry in ClinVar:

NM_030948.6(PHACTR1):c.251-119685G>A

Gene: PHACTR1 (phosphatase and actin regulator 1; plus strand). Cytogenetic location: 6p24.1.
Variant type: single nucleotide variant.
Coding change: c.251-119685G>A on transcript NM_030948.6 (MANE Select); 119685 bases into the intron before coding-DNA position 251, G replaced by A.
Molecular consequence: intron variant.
Genome position (GRCh38, 1-based): chr6:12,933,680, G>A. VCF-style: chr6-12933680-G-A. GRCh37 (hg19) VCF-style: chr6-12933912-G-A.
Other names: c.251-119685G>A (NM_001242648.4, NM_001374581.2, NM_001322308.3 and 3 more transcripts).
Identifiers: ClinVar variation 1879646 (VCV001879646.29), dbSNP rs144313630, ClinGen allele CA3638910.

ClinVar aggregate classification (germline): Benign (1 of 4 stars; one submission).

Allele frequency attached by ClinVar (database versions not stated): 1000 Genomes Project 30x 0.00328; 1000 Genomes Project 0.00339; ESP Exome Variant Server 0.00349.
gnomAD v4.1: 5,976 of 1,612,844 alleles (0.37%); highest among the groups gnomAD compares: South Asian, 1.5%; 30 homozygotes.

Submission:

CeGaT Center for Human Genetics Tuebingen
Classification: Benign. Last evaluated: 2026-09-01. Review status: criteria provided, single submitter. Criteria: CeGaT Center For Human Genetics Tuebingen Variant Classification Criteria Version 2. Collection method: clinical testing. Allele origin: germline. Affected: yes. Observed: 19 variant alleles.
Comment: PHACTR1: BS1, BS2